The following is an entry in ClinVar:

NM_001453.3(FOXC1):c.1295C>G (p.Ser432Cys)

Gene: FOXC1 (forkhead box C1; plus strand). Cytogenetic location: 6p25.3.
Variant type: single nucleotide variant.
Coding change: c.1295C>G on transcript NM_001453.3 (MANE Select); coding-DNA position 1295, C replaced by G.
Protein change: p.Ser432Cys; replaces serine 432 with cysteine.
Molecular consequence: missense variant.
Genome position (GRCh38, 1-based): chr6:1,611,740, C>G. VCF-style: chr6-1611740-C-G. GRCh37 (hg19) VCF-style: chr6-1611975-C-G.
Other names: short protein forms S432C.
Identifiers: ClinVar variation 3675950 (VCV003675950.2).

ClinVar aggregate classification (germline): Uncertain significance (1 of 4 stars; one submission).

Conditions:
Axenfeld-Rieger syndrome type 3 (RIEG3). Also called: AXENFELD-RIEGER ANOMALY WITH CARDIAC DEFECTS AND/OR SENSORINEURAL HEARING LOSS. Identifiers: Orphanet 782, MedGen C2678503, MONDO:0011233, OMIM 602482.

Submission:

Labcorp Genetics (formerly Invitae), Labcorp
Classification: Uncertain significance for Axenfeld-Rieger syndrome type 3. Last evaluated: 2025-07-09. Review status: criteria provided, single submitter. Criteria: Invitae Variant Classification Sherloc (09022015). Collection method: clinical testing. Allele origin: germline.
Comment: This sequence change replaces serine, which is neutral and polar, with cysteine, which is neutral and slightly polar, at codon 432 of the FOXC1 protein (p.Ser432Cys). This variant is not present in population databases (gnomAD no frequency). This variant has not been reported in the literature in individuals affected with FOXC1-related conditions. ClinVar contains an entry for this variant (Variation ID: 3675950). An algorithm developed to predict the effect of missense changes on protein structure and function (PolyPhen-2) suggests that this variant is likely to be disruptive. In summary, the available evidence is currently insufficient to determine the role of this variant in disease. Therefore, it has been classified as a Variant of Uncertain Significance.